The following is an entry in ClinVar:

ClinVar aggregate classification (germline): Benign (1 of 4 stars; one submission).

Allele frequency attached by ClinVar (database versions not stated): 1000 Genomes Project 30x 0.70066; TOPMed 0.75094; gnomAD 0.75896; 1000 Genomes Project 0.70667.
gnomAD v4.1: 947,312 of 1,158,082 alleles (82%); highest among the groups gnomAD compares: Non-Finnish European, 86%; 391,823 homozygotes.

Submission:

GeneDx
Classification: Benign. Last evaluated: 2018-06-14. Review status: criteria provided, single submitter. Criteria: GeneDx Variant Classification (06012015). Collection method: clinical testing. Allele origin: germline. Affected: yes.
Comment: This variant is considered likely benign or benign based on one or more of the following criteria: it is a conservative change, it occurs at a poorly conserved position in the protein, it is predicted to be benign by multiple in silico algorithms, and/or has population frequency not consistent with disease.

NM_000426.4(LAMA2):c.9211+74G>A

Gene: LAMA2 (laminin subunit alpha 2; plus strand). Cytogenetic location: 6q22.33.
Variant type: single nucleotide variant.
Coding change: c.9211+74G>A on transcript NM_000426.4 (MANE Select); 74 bases into the intron after coding-DNA position 9211, G replaced by A.
Molecular consequence: intron variant.
Genome position (GRCh38, 1-based): chr6:129,514,669, G>A. VCF-style: chr6-129514669-G-A. GRCh37 (hg19) VCF-style: chr6-129835814-G-A.
Other names: c.9199+74G>A (NM_001079823.2).
Identifiers: ClinVar variation 682958 (VCV000682958.1), dbSNP rs2297740, ClinGen allele CA146927745.